The following is an entry in ClinVar:

ClinVar aggregate classification (germline): Likely benign. Review status: criteria provided, multiple submitters, no conflicts (2 of 4 stars). 3 submissions from 3 submitters: Likely benign (3). Last evaluated 2026-01-02.

Conditions:
SCLT1-related disorder. Also called: SCLT1-related condition.

Allele frequency attached by ClinVar (database versions not stated): TOPMed 0.00049.

Submissions (3):

Labcorp Genetics (formerly Invitae), Labcorp
Classification: Likely benign. Last evaluated: 2026-01-02. Review status: criteria provided, single submitter. Criteria: Invitae Variant Classification Sherloc (09022015). Collection method: clinical testing. Allele origin: germline.

PreventionGenetics, part of Exact Sciences
Classification: Likely benign for SCLT1-related condition. Last evaluated: 2024-10-24. Review status: criteria provided, single submitter. Criteria: ACMG Guidelines, 2015. Collection method: clinical testing. Allele origin: germline.
Comment: This variant is classified as likely benign based on ACMG/AMP sequence variant interpretation guidelines (Richards et al. 2015 PMID: 25741868, with internal and published modifications).

Blueprint Genetics
Classification: Likely benign. Last evaluated: 2023-07-27. Review status: criteria provided, single submitter. Criteria: ACMG Guidelines, 2015. Collection method: clinical testing. Allele origin: germline.

NM_144643.4(SCLT1):c.1494A>T (p.Val498=)

Gene: SCLT1 (sodium channel and clathrin linker 1; minus strand). Cytogenetic location: 4q28.2.
Variant type: single nucleotide variant.
Coding change: c.1494A>T on transcript NM_144643.4 (MANE Select); coding-DNA position 1494, A replaced by T.
Protein change: p.Val498=; no amino-acid change (valine 498 retained).
Molecular consequence: synonymous variant.
Genome position (GRCh38, 1-based): chr4:128,943,134, T>A on the plus strand (A>T on the coding strand, the complement: SCLT1 is on the minus strand). VCF-style: chr4-128943134-T-A. GRCh37 (hg19) VCF-style: chr4-129864289-T-A.
Identifiers: ClinVar variation 751953 (VCV000751953.10), dbSNP rs144333168, ClinGen allele CA3079602.